The following is an entry in ClinVar:

ClinVar aggregate classification (germline): Uncertain significance (1 of 4 stars; one submission).

gnomAD v4.1: 20 of 1,613,808 alleles (0.0012%); highest among the groups gnomAD compares: Non-Finnish European, 0.0017%; no homozygotes.

Submission:

Labcorp Genetics (formerly Invitae), Labcorp
Classification: Uncertain significance. Last evaluated: 2022-06-11. Review status: criteria provided, single submitter. Criteria: Invitae Variant Classification Sherloc (09022015). Collection method: clinical testing. Allele origin: germline.
Comment: This sequence change replaces arginine, which is basic and polar, with proline, which is neutral and non-polar, at codon 518 of the AEBP1 protein (p.Arg518Pro). This variant is not present in population databases (gnomAD no frequency). This variant has not been reported in the literature in individuals affected with AEBP1-related conditions. Algorithms developed to predict the effect of missense changes on protein structure and function are either unavailable or do not agree on the potential impact of this missense change (SIFT: "Deleterious"; PolyPhen-2: "Probably Damaging"; Align-GVGD: "Class C0"). In summary, the available evidence is currently insufficient to determine the role of this variant in disease. Therefore, it has been classified as a Variant of Uncertain Significance.

NM_001129.5(AEBP1):c.1553G>C (p.Arg518Pro)

Gene: AEBP1 (AE binding protein 1; plus strand). Cytogenetic location: 7p13.
Variant type: single nucleotide variant.
Coding change: c.1553G>C on transcript NM_001129.5 (MANE Select); coding-DNA position 1553, G replaced by C.
Protein change: p.Arg518Pro; replaces arginine 518 with proline.
Molecular consequence: missense variant.
Genome position (GRCh38, 1-based): chr7:44,110,980, G>C. VCF-style: chr7-44110980-G-C. GRCh37 (hg19) VCF-style: chr7-44150579-G-C.
Other names: short protein forms R518P.
Identifiers: ClinVar variation 2049068 (VCV002049068.1), dbSNP rs750684335, ClinGen allele CA367365400.